The following is an entry in ClinVar:

NM_006361.6(HOXB13):c.370C>G (p.Pro124Ala)

Gene: HOXB13 (homeobox B13; minus strand). Cytogenetic location: 17q21.32.
Variant type: single nucleotide variant.
Coding change: c.370C>G on transcript NM_006361.6 (MANE Select); coding-DNA position 370, C replaced by G.
Protein change: p.Pro124Ala; replaces proline 124 with alanine.
Molecular consequence: missense variant.
Genome position (GRCh38, 1-based): chr17:48,728,224, G>C on the plus strand (C>G on the coding strand, the complement: HOXB13 is on the minus strand). VCF-style: chr17-48728224-G-C. GRCh37 (hg19) VCF-style: chr17-46805586-G-C.
Other names: short protein forms P124A.
Identifiers: ClinVar variation 824107 (VCV000824107.11), dbSNP rs1597934325, ClinGen allele CA400107604.

ClinVar aggregate classification (germline): Uncertain significance. Review status: criteria provided, multiple submitters, no conflicts (2 of 4 stars). 2 submissions from 2 submitters: Uncertain significance (2). Last evaluated 2025-04-07.

Conditions:
Hereditary cancer-predisposing syndrome. Also called: Neoplastic Syndromes, Hereditary; Tumor predisposition; Hereditary neoplastic syndrome; Hereditary Cancer Syndrome. Identifiers: Orphanet 140162, MedGen C0027672, MeSH D009386, MONDO:0015356.

Allele frequency attached by ClinVar (database versions not stated): gnomAD exomes below 0.00001.
gnomAD v4.1: 4 of 1,614,226 alleles (0.00025%); highest among the groups gnomAD compares: Non-Finnish European, 0.00034%; no homozygotes.

Submissions (2):

Labcorp Genetics (formerly Invitae), Labcorp
Classification: Uncertain significance. Last evaluated: 2025-04-07. Review status: criteria provided, single submitter. Criteria: Invitae Variant Classification Sherloc (09022015). Collection method: clinical testing. Allele origin: germline.
Comment: This sequence change replaces proline, which is neutral and non-polar, with alanine, which is neutral and non-polar, at codon 124 of the HOXB13 protein (p.Pro124Ala). This variant is not present in population databases (gnomAD no frequency). This variant has not been reported in the literature in individuals affected with HOXB13-related conditions. ClinVar contains an entry for this variant (Variation ID: 824107). Invitae Evidence Modeling of protein sequence and biophysical properties (such as structural, functional, and spatial information, amino acid conservation, physicochemical variation, residue mobility, and thermodynamic stability) indicates that this missense variant is not expected to disrupt HOXB13 protein function with a negative predictive value of 80%. In summary, the available evidence is currently insufficient to determine the role of this variant in disease. Therefore, it has been classified as a Variant of Uncertain Significance.

Ambry Genetics
Classification: Uncertain significance for Hereditary cancer-predisposing syndrome. Last evaluated: 2024-03-24. Review status: criteria provided, single submitter. Criteria: Ambry Variant Classification Scheme 2023. Collection method: clinical testing. Allele origin: germline.
Comment: The p.P124A variant (also known as c.370C>G), located in coding exon 1 of the HOXB13 gene, results from a C to G substitution at nucleotide position 370. The proline at codon 124 is replaced by alanine, an amino acid with highly similar properties. This amino acid position is not well conserved in available vertebrate species. In addition, the in silico prediction for this alteration is inconclusive. Since supporting evidence is limited at this time, the clinical significance of this alteration remains unclear.